The following is an entry in ClinVar:

ClinVar aggregate classification (germline): Conflicting classifications of pathogenicity. Review status: criteria provided, conflicting classifications (1 of 4 stars). 2 submissions from 2 submitters: Uncertain significance (1); Likely benign (1). Last evaluated 2026-08-28.

Conditions:
Multiple endocrine neoplasia, type 2 (MEN2). Identifiers: Orphanet 653, MedGen C4048306, MONDO:0019003. Disease mechanism: gain of function.
Hereditary cancer-predisposing syndrome. Also called: Tumor predisposition; Hereditary neoplastic syndrome; Neoplastic Syndromes, Hereditary; Hereditary Cancer Syndrome. Identifiers: Orphanet 140162, MedGen C0027672, MeSH D009386, MONDO:0015356.

Allele frequency attached by ClinVar (database versions not stated): gnomAD exomes below 0.00001.
gnomAD v4.1: 2 of 1,609,968 alleles (0.00012%); highest among the groups gnomAD compares: Non-Finnish European, 0.00017%; no homozygotes.

Submissions (2):

Ambry Genetics
Classification: Likely benign for Hereditary cancer-predisposing syndrome. Last evaluated: 2026-08-28. Review status: criteria provided, single submitter. Criteria: Ambry Variant Classification Scheme 2023. Collection method: clinical testing. Allele origin: germline.

Labcorp Genetics (formerly Invitae), Labcorp
Classification: Uncertain significance for Multiple endocrine neoplasia, type 2. Last evaluated: 2025-03-21. Review status: criteria provided, single submitter. Criteria: Invitae Variant Classification Sherloc (09022015). Collection method: clinical testing. Allele origin: germline.
Comment: This sequence change replaces alanine, which is neutral and non-polar, with threonine, which is neutral and polar, at codon 247 of the RET protein (p.Ala247Thr). This variant is not present in population databases (gnomAD no frequency). This variant has not been reported in the literature in individuals affected with RET-related conditions. ClinVar contains an entry for this variant (Variation ID: 858205). An algorithm developed to predict the effect of missense changes on protein structure and function outputs the following: PolyPhen-2: "Benign". The threonine amino acid residue is found in multiple mammalian species, which suggests that this missense change does not adversely affect protein function. In summary, the available evidence is currently insufficient to determine the role of this variant in disease. Therefore, it has been classified as a Variant of Uncertain Significance.

NM_020975.6(RET):c.739G>A (p.Ala247Thr)

Gene: RET (ret proto-oncogene; plus strand). Cytogenetic location: 10q11.21.
Variant type: single nucleotide variant.
Coding change: c.739G>A on transcript NM_020975.6 (MANE Select); coding-DNA position 739, G replaced by A.
Protein change: p.Ala247Thr; replaces alanine 247 with threonine.
Molecular consequence: missense variant.
Genome position (GRCh38, 1-based): chr10:43,105,065, G>A. VCF-style: chr10-43105065-G-A. GRCh37 (hg19) VCF-style: chr10-43600513-G-A.
Other names: c.739G>A, p.Ala247Thr (NM_000323.2, NM_001406743.1, NM_001406744.1 and 8 more transcripts); c.-24G>A (NM_001355216.2); c.610G>A, p.Ala204Thr (NM_001406761.1, NM_001406762.1, NM_001406764.1 and 2 more transcripts); c.451G>A, p.Ala151Thr (NM_001406766.1, NM_001406767.1, NM_001406770.1); short protein forms A247T, A151T, A204T.
Identifiers: ClinVar variation 858205 (VCV000858205.12), dbSNP rs1837733537, ClinGen allele CA376544814.